The following is an entry in ClinVar:

ClinVar aggregate classification (germline): Uncertain significance (1 of 4 stars; one submission).

Conditions:
Perlman syndrome (PRLMNS). Identifiers: Orphanet 2849, MedGen C0796113, MONDO:0009965, OMIM 267000.

Submission:

Labcorp Genetics (formerly Invitae), Labcorp
Classification: Uncertain significance for Perlman syndrome. Last evaluated: 2023-09-23. Review status: criteria provided, single submitter. Criteria: Invitae Variant Classification Sherloc (09022015). Collection method: clinical testing. Allele origin: germline.
Comment: This variant has not been reported in the literature in individuals affected with DIS3L2-related conditions. ClinVar contains an entry for this variant (Variation ID: 1464981). An algorithm developed to predict the effect of missense changes on protein structure and function (PolyPhen-2) suggests that this variant is likely to be disruptive. In summary, the available evidence is currently insufficient to determine the role of this variant in disease. Therefore, it has been classified as a Variant of Uncertain Significance. This sequence change replaces leucine, which is neutral and non-polar, with serine, which is neutral and polar, at codon 254 of the DIS3L2 protein (p.Leu254Ser). This variant is not present in population databases (gnomAD no frequency).

NM_152383.5(DIS3L2):c.761T>C (p.Leu254Ser)

Gene: DIS3L2 (DIS3 like 3'-5' exoribonuclease 2; plus strand). Cytogenetic location: 2q37.1.
Variant type: single nucleotide variant.
Coding change: c.761T>C on transcript NM_152383.5 (MANE Select); coding-DNA position 761, T replaced by C.
Protein change: p.Leu254Ser; replaces leucine 254 with serine.
Molecular consequence: missense variant. On other transcripts: non-coding transcript variant (1).
Genome position (GRCh38, 1-based): chr2:232,136,530, T>C. VCF-style: chr2-232136530-T-C. GRCh37 (hg19) VCF-style: chr2-233001240-T-C.
Other names: c.761T>C, p.Leu254Ser (NM_001257281.2); short protein forms L254S.
Identifiers: ClinVar variation 1464981 (VCV001464981.8), dbSNP rs2106355333, ClinGen allele CA351153529.